The following is an entry in ClinVar:

NM_017852.5(NLRP2):c.1122C>T (p.Asp374=)

Gene: NLRP2 (NLR family pyrin domain containing 2; plus strand). Cytogenetic location: 19q13.42.
Variant type: single nucleotide variant.
Coding change: c.1122C>T on transcript NM_017852.5 (MANE Select); coding-DNA position 1122, C replaced by T.
Protein change: p.Asp374=; no amino-acid change (aspartic acid 374 retained).
Molecular consequence: synonymous variant. On other transcripts: non-coding transcript variant (1).
Genome position (GRCh38, 1-based): chr19:54,982,820, C>T. VCF-style: chr19-54982820-C-T. GRCh37 (hg19) VCF-style: chr19-55494188-C-T.
Other names: c.1122C>T, p.Asp374= (NM_001174081.3); c.1056C>T, p.Asp352= (NM_001174082.3); c.1053C>T, p.Asp351= (NM_001174083.2); c.1113C>T, p.Asp371= (NM_001348003.2).
Identifiers: ClinVar variation 3060593 (VCV003060593.2), dbSNP rs3826883, ClinGen allele CA310103799.

ClinVar aggregate classification (germline): Benign (0 of 4 stars; one submission).

Conditions:
NLRP2-related disorder. Also called: NLRP2-related condition.

Allele frequency attached by ClinVar (database versions not stated): 1000 Genomes Project 30x 0.10790; 1000 Genomes Project 0.10903; TOPMed 0.16342; ESP Exome Variant Server 0.18355.
gnomAD v4.1: 336,005 of 1,611,940 alleles (21%); highest among the groups gnomAD compares: Non-Finnish European, 24%; 36,993 homozygotes.

Submission:

PreventionGenetics, part of Exact Sciences
Classification: Benign for NLRP2-related condition. Last evaluated: 2024-03-06. Review status: no assertion criteria provided. Collection method: clinical testing. Allele origin: germline.
Comment: This variant is classified as benign based on ACMG/AMP sequence variant interpretation guidelines (Richards et al. 2015 PMID: 25741868, with internal and published modifications).